The following is an entry in ClinVar:

NM_206933.4(USH2A):c.7670G>A (p.Arg2557Lys)

Gene: USH2A (usherin; minus strand). Cytogenetic location: 1q41.
Variant type: single nucleotide variant.
Coding change: c.7670G>A on transcript NM_206933.4 (MANE Select); coding-DNA position 7670, G replaced by A.
Protein change: p.Arg2557Lys; replaces arginine 2557 with lysine.
Molecular consequence: missense variant.
Genome position (GRCh38, 1-based): chr1:215,888,979, C>T on the plus strand (G>A on the coding strand, the complement: USH2A is on the minus strand). VCF-style: chr1-215888979-C-T. GRCh37 (hg19) VCF-style: chr1-216062321-C-T.
Other names: short protein forms R2557K.
Identifiers: ClinVar variation 2125666 (VCV002125666.4), dbSNP rs143628000, ClinGen allele CA344841196.

ClinVar aggregate classification (germline): Uncertain significance (1 of 4 stars; one submission).

gnomAD v4.1: 12 of 1,614,010 alleles (0.00074%); highest among the groups gnomAD compares: Non-Finnish European, 0.00093%; no homozygotes.

Submission:

Labcorp Genetics (formerly Invitae), Labcorp
Classification: Uncertain significance. Last evaluated: 2022-04-12. Review status: criteria provided, single submitter. Criteria: Invitae Variant Classification Sherloc (09022015). Collection method: clinical testing. Allele origin: germline.
Comment: In summary, the available evidence is currently insufficient to determine the role of this variant in disease. Therefore, it has been classified as a Variant of Uncertain Significance. Algorithms developed to predict the effect of missense changes on protein structure and function (SIFT, PolyPhen-2, Align-GVGD) all suggest that this variant is likely to be tolerated. This variant has not been reported in the literature in individuals affected with USH2A-related conditions. This variant is not present in population databases (gnomAD no frequency). This sequence change replaces arginine, which is basic and polar, with lysine, which is basic and polar, at codon 2557 of the USH2A protein (p.Arg2557Lys).